The following is an entry in ClinVar:

NM_001370466.1(NOD2):c.461C>A (p.Ala154Glu)

Gene: NOD2 (nucleotide binding oligomerization domain containing 2; plus strand). Cytogenetic location: 16q12.1.
Variant type: single nucleotide variant.
Coding change: c.461C>A on transcript NM_001370466.1 (MANE Select); coding-DNA position 461, C replaced by A.
Protein change: p.Ala154Glu; replaces alanine 154 with glutamic acid.
Molecular consequence: missense variant. On other transcripts: non-coding transcript variant (1).
Genome position (GRCh38, 1-based): chr16:50,707,856, C>A. VCF-style: chr16-50707856-C-A. GRCh37 (hg19) VCF-style: chr16-50741767-C-A.
Other names: c.461C>A, p.Ala154Glu (NM_001293557.2); c.542C>A, p.Ala181Glu (NM_022162.3); short protein forms A181E, A154E.
Identifiers: ClinVar variation 863781 (VCV000863781.8), dbSNP rs141414002, ClinGen allele CA8051316.
Genomic context (GRCh38, chr16:50,707,856, plus strand): 5'-CTTCCCACATTGCTCCATCAGCCTTCCTGGAAGAATAATGTCTTCTGCCTTTCCTGTAGG[C>A]AAGAAGGCTGCTTGATCTTGCCACGGTGAAAGCGAATGGATTGGCTGCCTTCCTTCTACA-3'
Protein context (NP_001357395.1, residues 144-164): RLPIFTPSQR[Ala154Glu]RRLLDLATVK

ClinVar aggregate classification (germline): Uncertain significance (1 of 4 stars; one submission).

Conditions:
Blau syndrome (BLAUS). Also called: GRANULOMATOSIS, FAMILIAL JUVENILE SYSTEMIC; GRANULOMATOSIS, FAMILIAL, BLAU TYPE; GRANULOMATOUS INFLAMMATORY ARTHRITIS, DERMATITIS, AND UVEITIS, FAMILIAL; JABS SYNDROME; ARTHROCUTANEOUVEAL GRANULOMATOSIS. Identifiers: Orphanet 90340, MedGen C5201146, MONDO:0008523, OMIM 186580.
Regional enteritis. Also called: Enteritis, Granulomatous. Identifiers: MedGen C0678202, MeSH D003424.

Allele frequency attached by ClinVar (database versions not stated): TOPMed below 0.00001; gnomAD 0.00001; gnomAD exomes 0.00001 and 0.00002; ExAC 0.00002; ESP Exome Variant Server 0.00008.

Submission:

Labcorp Genetics (formerly Invitae), Labcorp
Classification: Uncertain significance for Regional enteritis; Blau syndrome. Last evaluated: 2025-12-29. Review status: criteria provided, single submitter. Criteria: Invitae Variant Classification Sherloc (09022015). Collection method: clinical testing. Allele origin: germline.
Comment: This sequence change replaces alanine, which is neutral and non-polar, with glutamic acid, which is acidic and polar, at codon 181 of the NOD2 protein (p.Ala181Glu). This variant is present in population databases (rs141414002, gnomAD 0.0009%). This missense change has been observed in individual(s) with clinical features of NOD2-related conditions (PMID: 27306066). This variant is also known as p.A181G or rs141414002. ClinVar contains an entry for this variant (Variation ID: 863781). Invitae Evidence Modeling of protein sequence and biophysical properties (such as structural, functional, and spatial information, amino acid conservation, physicochemical variation, residue mobility, and thermodynamic stability) indicates that this missense variant is expected to disrupt NOD2 protein function with a positive predictive value of 95%. In summary, the available evidence is currently insufficient to determine the role of this variant in disease. Therefore, it has been classified as a Variant of Uncertain Significance.

Literature cited by the submitters: PubMed 27306066.